The following is an entry in ClinVar:

NM_005529.7(HSPG2):c.3197G>A (p.Arg1066Gln)

Gene: HSPG2 (heparan sulfate proteoglycan 2; minus strand). Cytogenetic location: 1p36.12.
Variant type: single nucleotide variant.
Coding change: c.3197G>A on transcript NM_005529.7 (MANE Select); coding-DNA position 3197, G replaced by A.
Protein change: p.Arg1066Gln; replaces arginine 1066 with glutamine.
Molecular consequence: missense variant.
Genome position (GRCh38, 1-based): chr1:21,875,734, C>T on the plus strand (G>A on the coding strand, the complement: HSPG2 is on the minus strand). VCF-style: chr1-21875734-C-T. GRCh37 (hg19) VCF-style: chr1-22202227-C-T.
Other names: c.3200G>A, p.Arg1067Gln (NM_001291860.2); short protein forms R1066Q, R1067Q.
Identifiers: ClinVar variation 874729 (VCV000874729.12), dbSNP rs537872144, ClinGen allele CA672727.

ClinVar aggregate classification (germline): Likely benign. Review status: criteria provided, multiple submitters, no conflicts (2 of 4 stars). 4 submissions from 3 submitters: Likely benign (4). Last evaluated 2026-01-15.

Conditions:
Schwartz-Jampel syndrome. Also called: Myotonic myopathy dwarfism chondrodystrophy and ocular and facial abnormalities. Identifiers: Orphanet 800, MedGen C0036391, MONDO:0009717.
Lethal Kniest-like syndrome (DDSH). Also called: Dyssegmental Dysplasia. Identifiers: Orphanet 1865, MedGen C1857100, MONDO:0009140, OMIM 224410.

Allele frequency attached by ClinVar (database versions not stated): gnomAD 0.00009 and 0.00013; gnomAD exomes 0.00009 and 0.00046; 1000 Genomes Project 0.00020; 1000 Genomes Project 30x 0.00031; TOPMed 0.00032; ExAC 0.00040.
gnomAD v4.1: 153 of 1,605,094 alleles (0.0095%); highest among the groups gnomAD compares: East Asian, 0.32%; no homozygotes.

Submissions (4):

Labcorp Genetics (formerly Invitae), Labcorp
Classification: Likely benign. Last evaluated: 2026-01-15. Review status: criteria provided, single submitter. Criteria: Invitae Variant Classification Sherloc (09022015). Collection method: clinical testing. Allele origin: germline.

GeneDx
Classification: Likely benign. Last evaluated: 2021-05-20. Review status: criteria provided, single submitter. Criteria: GeneDx Variant Classification Process June 2021. Collection method: clinical testing. Allele origin: germline. Affected: yes.
Comment: This variant is associated with the following publications: (PMID: 29177441)

Illumina Laboratory Services, Illumina
Classification: Likely benign for Schwartz-Jampel syndrome type 1. Last evaluated: 2017-10-10. Review status: criteria provided, single submitter. Criteria: ICSL Variant Classification Criteria 13 December 2019. Collection method: clinical testing. Allele origin: germline.
Comment: This variant was observed as part of a predisposition screen in an ostensibly healthy population. A literature search was performed for the gene, cDNA change, and amino acid change (where applicable). Publications were found based on this search. The evidence from the literature, in combination with allele frequency data from public databases where available, was sufficient to determine this variant is unlikely to cause disease. Therefore, this variant is classified as likely benign.

Illumina Laboratory Services, Illumina
Classification: Likely benign for Lethal Kniest-like syndrome. Last evaluated: 2017-10-02. Review status: criteria provided, single submitter. Criteria: ICSL Variant Classification Criteria 13 December 2019. Collection method: clinical testing. Allele origin: germline.
Comment: the same text as in the submission from Illumina Laboratory Services, Illumina above.

Literature cited by the submitters: PubMed 28242392 (cited by Illumina Laboratory Services, Illumina).